The following is an entry in ClinVar:

ClinVar aggregate classification (germline): Pathogenic (1 of 4 stars; one submission).

Submission:

Quest Diagnostics Nichols Institute San Juan Capistrano
Classification: Pathogenic. Last evaluated: 2024-06-03. Review status: criteria provided, single submitter. Criteria: ACMG/ClinGen CNV Guidelines, 2019. Collection method: clinical testing. Allele origin: unknown.
Comment: This terminal loss of 18q21.31q23 involves at least 69 protein-coding genes and is associated with chromosome 18q deletion syndrome (OMIM 601808; Ea 2021, Fabian 2023, Li 2021, Margarit 2012, Tayebi 2022, Xiao 2023). There are no similar copy number losses of this region in the general populations of the Database of Genomic Variants. Thus, this copy number variant (CNV) is classified as pathogenic. References: Ea et al., Eur Urol. 2021 Apr;79(4):507-515. PMID: 33468338; Fabian et al., Eur J Hum Genet. 2023 Jan;31(1):105-111. PMID: 36319675; Li et al., Front Genet. 2021 Sep 20:12:707411. PMID: 34616427; Margarit et al., Am J Med Genet A. 2012 Mar;158A(3):611-6. PMID: 22302430; Tayebi et al., Eur J Med Genet. 2022 Jun;65(6):104514. PMID: 35487415; Xiao et al., Hum Genet. 2023 Dec;142(12):1737-1745. PMID: 37938362

GRCh37/hg19 18q21.32-23(chr18:56750525-78014123)x1

Genes: ADNP2 (ADNP homeobox 2; plus strand), ATP9B (ATPase phospholipid transporting 9B (putative); plus strand), BCL2 (BCL2 apoptosis regulator; minus strand), C18orf63 (chromosome 18 open reading frame 63; plus strand), CBLN2 (cerebellin 2 precursor; minus strand) and 63 more. Cytogenetic location: 18q21.32-23.
Variant type: copy number loss.
Change: copy number 1 (one copy instead of two) of chr18:56,750,525-78,014,123 (21.26 Mb, GRCh37 coordinates, 1-based), cytogenetic band 18q21.32-23.
Identifiers: ClinVar variation 816052 (VCV000816052.1).